The following is an entry in ClinVar:

NM_020884.7(MYH7B):c.904+5G>C

Gene: MYH7B (myosin heavy chain 7B; plus strand). Cytogenetic location: 20q11.22.
Variant type: single nucleotide variant.
Coding change: c.904+5G>C on transcript NM_020884.7 (MANE Select); 5 bases into the intron after coding-DNA position 904, G replaced by C.
Molecular consequence: intron variant.
Genome position (GRCh38, 1-based): chr20:34,986,203, G>C. VCF-style: chr20-34986203-G-C. GRCh37 (hg19) VCF-style: chr20-33574006-G-C.
Identifiers: ClinVar variation 4986998 (VCV004986998.1).

ClinVar aggregate classification (germline): Uncertain significance (1 of 4 stars; one submission).

Conditions:
MYH7B-related disorder. Also called: MYH7B-related condition.

Submission:

PreventionGenetics, part of Exact Sciences
Classification: Uncertain significance for MYH7B-related condition. Last evaluated: 2026-09-14. Review status: criteria provided, single submitter. Criteria: ACMG Guidelines, 2015. Collection method: clinical testing. Allele origin: germline.
Comment: The MYH7B c.1030+5G>C variant is predicted to interfere with splicing. This variant is predicted to alter splicing based on available splicing prediction software (SpliceAI, Jaganathan et al. 2019. PubMed ID: 30661751). However, the use of computer prediction software is not equivalent to functional evidence. To our knowledge, this variant has not been reported in the literature or in a large population database (gnomAD), indicating this variant is rare. At this time, the clinical significance of this variant is uncertain due to the absence of conclusive functional and genetic evidence.